The following is an entry in ClinVar:

NC_000003.12:g.(?_10028648)_(10043874_?)dup

Gene: FANCD2 (FA complementation group D2; plus strand). Cytogenetic location: 3p25.3.
Variant type: Duplication.
Identifiers: ClinVar variation 832329 (VCV000832329.5).

ClinVar aggregate classification (germline): Uncertain significance (1 of 4 stars; one submission).

Conditions:
Fanconi anemia (FA). Also called: Fanconi's anemia. Identifiers: Orphanet 84, MedGen C0015625, MeSH D005199, MONDO:0019391.

Submission:

Labcorp Genetics (formerly Invitae), Labcorp
Classification: Uncertain significance for Fanconi anemia. Last evaluated: 2019-05-11. Review status: criteria provided, single submitter. Criteria: Invitae Variant Classification Sherloc (09022015). Collection method: clinical testing. Allele origin: germline.
Comment: In summary, the available evidence is currently insufficient to determine the role of this variant in disease. Therefore, it has been classified as a Variant of Uncertain Significance. This variant has not been reported in the literature in individuals with FANCD2-related conditions. This variant results in a copy number gain of the genomic region encompassing exons 2-14 of the FANCD2 gene, which includes the initiator codon. The 5' end of this event is unknown as it extends beyond the assayed region for this gene and therefore may encompass additional genes. The 3' boundary is likely confined to intron 14 of the FANCD2 gene. As the precise location of this event is unknown, it may be in tandem or it may be located elsewhere in the genome.